The following is an entry in ClinVar:

ClinVar aggregate classification (germline): Uncertain significance. Review status: criteria provided, multiple submitters, no conflicts (2 of 4 stars). 2 submissions from 2 submitters: Uncertain significance (2). Last evaluated 2022-03-09.

Conditions:
Cardiovascular phenotype. Identifiers: MedGen CN230736.

Allele frequency attached by ClinVar (database versions not stated): gnomAD exomes 0.00001.
gnomAD v4.1: 11 of 1,549,316 alleles (0.00071%); highest among the groups gnomAD compares: East Asian, 0.022%; no homozygotes.

Submissions (2):

Ambry Genetics
Classification: Uncertain significance for Cardiovascular phenotype. Last evaluated: 2022-03-09. Review status: criteria provided, single submitter. Criteria: Ambry Variant Classification Scheme 2023. Collection method: clinical testing. Allele origin: germline.
Comment: The c.946-5T>G intronic variant results from a T to G substitution 5 nucleotides upstream from coding exon 8 in the LAMA4 gene. This nucleotide position is not well conserved in available vertebrate species. In silico splice site analysis for this alteration is inconclusive. The evidence for this gene-disease relationship is limited; therefore, the clinical significance of this alteration is unclear.

GeneDx
Classification: Uncertain significance. Last evaluated: 2019-08-08. Review status: criteria provided, single submitter. Criteria: GeneDx Variant Classification Process June 2021. Collection method: clinical testing. Allele origin: germline. Affected: yes.
Comment: Has not been previously published as pathogenic or benign to our knowledge; Not observed in large population cohorts (Lek et al., 2016); In silico analysis, which includes splice predictors and evolutionary conservation, predicts this variants damages the natural splice acceptor site for intron 8; however, the absence of RNA/functional studies, the actual effect of this variant is unknown

NM_001105206.3(LAMA4):c.967-5T>G

Gene: LAMA4 (laminin subunit alpha 4; minus strand). Cytogenetic location: 6q21.
Variant type: single nucleotide variant.
Coding change: c.967-5T>G on transcript NM_001105206.3 (MANE Select); 5 bases into the intron before coding-DNA position 967, T replaced by G.
Molecular consequence: intron variant.
Genome position (GRCh38, 1-based): chr6:112,185,352, A>C on the plus strand (T>G on the coding strand, the complement: LAMA4 is on the minus strand). VCF-style: chr6-112185352-A-C. GRCh37 (hg19) VCF-style: chr6-112506554-A-C.
Other names: c.946-5T>G (NM_002290.5, NM_001105207.3).
Identifiers: ClinVar variation 213601 (VCV000213601.7), dbSNP rs863223692, ClinGen allele CA321298.